The following is an entry in ClinVar:

ClinVar aggregate classification (germline): Benign (0 of 4 stars; one submission).

Conditions:
LRP1B-related disorder. Also called: LRP1B-related condition.

Allele frequency attached by ClinVar (database versions not stated): 1000 Genomes Project 30x 0.00375; 1000 Genomes Project 0.00399; TOPMed 0.00643; ESP Exome Variant Server 0.00807; gnomAD 0.00896; ExAC 0.01012; gnomAD exomes 0.01050.
gnomAD v4.1: 16,670 of 1,611,808 alleles (1%); highest among the groups gnomAD compares: Non-Finnish European, 1.1%; 111 homozygotes.

Submission:

PreventionGenetics, part of Exact Sciences
Classification: Benign for LRP1B-related condition. Last evaluated: 2020-01-08. Review status: no assertion criteria provided. Collection method: clinical testing. Allele origin: germline.
Comment: This variant is classified as benign based on ACMG/AMP sequence variant interpretation guidelines (Richards et al. 2015 PMID: 25741868, with internal and published modifications).

NM_018557.3(LRP1B):c.9532G>A (p.Ala3178Thr)

Gene: LRP1B (LDL receptor related protein 1B; minus strand). Cytogenetic location: 2q22.1.
Variant type: single nucleotide variant.
Coding change: c.9532G>A on transcript NM_018557.3 (MANE Select); coding-DNA position 9532, G replaced by A.
Protein change: p.Ala3178Thr; replaces alanine 3178 with threonine.
Molecular consequence: missense variant.
Genome position (GRCh38, 1-based): chr2:140,475,231, C>T on the plus strand (G>A on the coding strand, the complement: LRP1B is on the minus strand). VCF-style: chr2-140475231-C-T. GRCh37 (hg19) VCF-style: chr2-141232800-C-T.
Other names: short protein forms A3178T.
Identifiers: ClinVar variation 3042252 (VCV003042252.2), dbSNP rs72899872, ClinGen allele CA1893616.